The following is an entry in ClinVar:

NM_006231.4(POLE):c.6157G>A (p.Asp2053Asn)

Gene: POLE (DNA polymerase epsilon, catalytic subunit; minus strand). Cytogenetic location: 12q24.33.
Variant type: single nucleotide variant.
Coding change: c.6157G>A on transcript NM_006231.4 (MANE Select); coding-DNA position 6157, G replaced by A.
Protein change: p.Asp2053Asn; replaces aspartic acid 2053 with asparagine.
Molecular consequence: missense variant.
Genome position (GRCh38, 1-based): chr12:132,632,488, C>T on the plus strand (G>A on the coding strand, the complement: POLE is on the minus strand). VCF-style: chr12-132632488-C-T. GRCh37 (hg19) VCF-style: chr12-133209074-C-T.
Other names: short protein forms D2053N.
Identifiers: ClinVar variation 3422146 (VCV003422146.1).
Genomic context (GRCh38, chr12:132,632,488, plus strand): 5'-TCTTCTGAATCTTCTGAGTGATGGTGAAGAAGCTCTGAGTGAGCTCATTTGCGACATAAT[C>T]CTGAGAGAAGGTGATCATTCCTGGAAGTATAAGGATGCTGAGGGAGGGGTCTGGGACCTG-3'
Protein context (NP_006222.2, residues 2043-2063): ALPGMITFSQ[Asp2053Asn]YVANELTQSF

ClinVar aggregate classification (germline): Uncertain significance (1 of 4 stars; one submission).

Conditions:
Hereditary cancer-predisposing syndrome. Also called: Neoplastic Syndromes, Hereditary; Tumor predisposition; Hereditary Cancer Syndrome; Hereditary neoplastic syndrome. Identifiers: Orphanet 140162, MedGen C0027672, MeSH D009386, MONDO:0015356.

Submission:

Ambry Genetics
Classification: Uncertain significance for Hereditary cancer-predisposing syndrome. Last evaluated: 2024-09-02. Review status: criteria provided, single submitter. Criteria: Ambry Variant Classification Scheme 2023. Collection method: clinical testing. Allele origin: germline.
Comment: The p.D2053N variant (also known as c.6157G>A), located in coding exon 45 of the POLE gene, results from a G to A substitution at nucleotide position 6157. The aspartic acid at codon 2053 is replaced by asparagine, an amino acid with highly similar properties. This amino acid position is conserved. In addition, this alteration is predicted to be tolerated by in silico analysis. Based on the available evidence, the clinical significance of this variant remains unclear.